The following is an entry in ClinVar:

ClinVar aggregate classification (germline): Likely benign. Review status: criteria provided, multiple submitters, no conflicts (2 of 4 stars). 2 submissions from 2 submitters: Likely benign (2). Last evaluated 2024-04-18.

Allele frequency attached by ClinVar (database versions not stated): gnomAD exomes 0.00006; ExAC 0.00015; ESP Exome Variant Server 0.00026; gnomAD 0.00061 and 0.00066; 1000 Genomes Project 0.00080; TOPMed 0.00051; 1000 Genomes Project 30x 0.00094.
gnomAD v4.1: 151 of 1,468,936 alleles (0.01%); highest among the groups gnomAD compares: African/African-American, 0.2%; 1 homozygote.

Submissions (2):

Blueprint Genetics
Classification: Likely benign. Last evaluated: 2024-04-18. Review status: criteria provided, single submitter. Criteria: ACMG Guidelines, 2015. Collection method: clinical testing. Allele origin: germline.

GeneDx
Classification: Likely benign. Last evaluated: 2017-11-08. Review status: criteria provided, single submitter. Criteria: GeneDx Variant Classification (06012015). Collection method: clinical testing. Allele origin: germline. Affected: yes.
Comment: This variant is considered likely benign or benign based on one or more of the following criteria: it is a conservative change, it occurs at a poorly conserved position in the protein, it is predicted to be benign by multiple in silico algorithms, and/or has population frequency not consistent with disease.

NM_004408.4(DNM1):c.-15G>T

Genes: CIZ1 (CDKN1A interacting zinc finger protein 1; minus strand), DNM1 (dynamin 1; plus strand). Cytogenetic location: 9q34.11.
Variant type: single nucleotide variant.
Coding change: c.-15G>T on transcript NM_004408.4 (MANE Select); 15 bases upstream of the start codon, G replaced by T.
Molecular consequence: 5 prime UTR variant. On other transcripts: intron variant (2).
Genome position (GRCh38, 1-based): chr9:128,203,456, G>T. VCF-style: chr9-128203456-G-T. GRCh37 (hg19) VCF-style: chr9-130965735-G-T.
Other names: c.-15G>T (NM_001005336.3, NM_001288737.2, NM_001288738.2 and 2 more transcripts); c.-6+730C>A (NM_001131015.2, NM_012127.3).
Identifiers: ClinVar variation 384606 (VCV000384606.4), dbSNP rs376941388, ClinGen allele CA5257716.